The following is an entry in ClinVar:

ClinVar aggregate classification (germline): Likely benign. Review status: criteria provided, multiple submitters, no conflicts (2 of 4 stars). 2 submissions from 2 submitters: Likely benign (2). Last evaluated 2026-07-09.

Conditions:
WFS1-related disorder. Identifiers: MedGen CN379391, MONDO:0700293.

Allele frequency attached by ClinVar (database versions not stated): TOPMed below 0.00001; ExAC 0.00001.
gnomAD v4.1: 8 of 1,612,796 alleles (0.0005%); highest among the groups gnomAD compares: South Asian, 0.0088%; no homozygotes.

Submissions (2):

PreventionGenetics, part of Exact Sciences
Classification: Likely benign for WFS1-related condition. Last evaluated: 2026-07-09. Review status: criteria provided, single submitter. Criteria: ACMG Guidelines, 2015. Collection method: clinical testing. Allele origin: germline.
Comment: This variant is classified as likely benign based on ACMG/AMP sequence variant interpretation guidelines (Richards et al. 2015 PMID: 25741868, with internal and published modifications).

Labcorp Genetics (formerly Invitae), Labcorp
Classification: Likely benign. Last evaluated: 2024-01-02. Review status: criteria provided, single submitter. Criteria: Invitae Variant Classification Sherloc (09022015). Collection method: clinical testing. Allele origin: germline.

NM_006005.3(WFS1):c.2235C>T (p.Gly745=)

Gene: WFS1 (wolframin ER transmembrane glycoprotein; plus strand). Cytogenetic location: 4p16.1.
Variant type: single nucleotide variant.
Coding change: c.2235C>T on transcript NM_006005.3 (MANE Select); coding-DNA position 2235, C replaced by T.
Protein change: p.Gly745=; no amino-acid change (glycine 745 retained).
Molecular consequence: synonymous variant.
Genome position (GRCh38, 1-based): chr4:6,302,030, C>T. VCF-style: chr4-6302030-C-T. GRCh37 (hg19) VCF-style: chr4-6303757-C-T.
Other names: c.2235C>T, p.Gly745= (NM_001145853.1).
Identifiers: ClinVar variation 2864987 (VCV002864987.4), dbSNP rs757447240, ClinGen allele CA2839657.